The following is an entry in ClinVar:

NM_015557.3(CHD5):c.914G>A (p.Ser305Asn)

Gene: CHD5 (chromodomain helicase DNA binding protein 5; minus strand). Cytogenetic location: 1p36.31.
Variant type: single nucleotide variant.
Coding change: c.914G>A on transcript NM_015557.3 (MANE Select); coding-DNA position 914, G replaced by A.
Protein change: p.Ser305Asn; replaces serine 305 with asparagine.
Molecular consequence: missense variant.
Genome position (GRCh38, 1-based): chr1:6,151,112, C>T on the plus strand (G>A on the coding strand, the complement: CHD5 is on the minus strand). VCF-style: chr1-6151112-C-T. GRCh37 (hg19) VCF-style: chr1-6211172-C-T.
Other names: short protein forms S305N.
Identifiers: ClinVar variation 2421673 (VCV002421673.6), dbSNP rs544143020, ClinGen allele CA557207.

ClinVar aggregate classification (germline): Uncertain significance (1 of 4 stars; one submission).

Allele frequency attached by ClinVar (database versions not stated): ExAC 0.00003; gnomAD 0.00003; TOPMed 0.00003; gnomAD exomes 0.00012; 1000 Genomes Project 30x 0.00016.
gnomAD v4.1: 174 of 1,609,994 alleles (0.011%); highest among the groups gnomAD compares: Non-Finnish European, 0.015%; no homozygotes.

Submission:

Labcorp Genetics (formerly Invitae), Labcorp
Classification: Uncertain significance. Last evaluated: 2023-11-06. Review status: criteria provided, single submitter. Criteria: Invitae Variant Classification Sherloc (09022015). Collection method: clinical testing. Allele origin: germline.
Comment: This sequence change replaces serine, which is neutral and polar, with asparagine, which is neutral and polar, at codon 305 of the CHD5 protein (p.Ser305Asn). This variant is present in population databases (rs544143020, gnomAD 0.008%). This variant has not been reported in the literature in individuals affected with CHD5-related conditions. ClinVar contains an entry for this variant (Variation ID: 2421673). Advanced modeling of protein sequence and biophysical properties (such as structural, functional, and spatial information, amino acid conservation, physicochemical variation, residue mobility, and thermodynamic stability) has been performed at Invitae for this missense variant, however the output from this modeling did not meet the statistical confidence thresholds required to predict the impact of this variant on CHD5 protein function. In summary, the available evidence is currently insufficient to determine the role of this variant in disease. Therefore, it has been classified as a Variant of Uncertain Significance.